The following is an entry in ClinVar:

ClinVar aggregate classification (germline): Uncertain significance (1 of 4 stars; one submission).

gnomAD v4.1: 1 of 1,614,094 alleles (0.000062%); highest among the groups gnomAD compares: Admixed American, 0.0017%; no homozygotes.

Submission:

Labcorp Genetics (formerly Invitae), Labcorp
Classification: Uncertain significance. Last evaluated: 2023-10-02. Review status: criteria provided, single submitter. Criteria: Invitae Variant Classification Sherloc (09022015). Collection method: clinical testing. Allele origin: germline.
Comment: This sequence change replaces asparagine, which is neutral and polar, with histidine, which is basic and polar, at codon 420 of the NBAS protein (p.Asn420His). This variant is present in population databases (no rsID available, gnomAD 0.003%). This variant has not been reported in the literature in individuals affected with NBAS-related conditions. ClinVar contains an entry for this variant (Variation ID: 2103412). Advanced modeling of protein sequence and biophysical properties (such as structural, functional, and spatial information, amino acid conservation, physicochemical variation, residue mobility, and thermodynamic stability) performed at Invitae indicates that this missense variant is not expected to disrupt NBAS protein function. In summary, the available evidence is currently insufficient to determine the role of this variant in disease. Therefore, it has been classified as a Variant of Uncertain Significance.

NM_015909.4(NBAS):c.1258A>C (p.Asn420His)

Gene: NBAS (NBAS subunit of NRZ tethering complex; minus strand). Cytogenetic location: 2p24.3.
Variant type: single nucleotide variant.
Coding change: c.1258A>C on transcript NM_015909.4 (MANE Select); coding-DNA position 1258, A replaced by C.
Protein change: p.Asn420His; replaces asparagine 420 with histidine.
Molecular consequence: missense variant. On other transcripts: non-coding transcript variant (1).
Genome position (GRCh38, 1-based): chr2:15,475,770, T>G on the plus strand (A>C on the coding strand, the complement: NBAS is on the minus strand). VCF-style: chr2-15475770-T-G. GRCh37 (hg19) VCF-style: chr2-15615894-T-G.
Other names: short protein forms N420H.
Identifiers: ClinVar variation 2103412 (VCV002103412.2), dbSNP rs1415086464, ClinGen allele CA345890942.